The following is an entry in ClinVar:

NM_002972.4(SBF1):c.3900C>G (p.Pro1300=)

Gene: SBF1 (SET binding factor 1; minus strand). Cytogenetic location: 22q13.33.
Variant type: single nucleotide variant.
Coding change: c.3900C>G on transcript NM_002972.4 (MANE Select); coding-DNA position 3900, C replaced by G.
Protein change: p.Pro1300=; no amino-acid change (proline 1300 retained).
Molecular consequence: synonymous variant. On other transcripts: intron variant (1).
Genome position (GRCh38, 1-based): chr22:50,457,038, G>C on the plus strand (C>G on the coding strand, the complement: SBF1 is on the minus strand). VCF-style: chr22-50457038-G-C. GRCh37 (hg19) VCF-style: chr22-50895467-G-C.
Other names: c.3830-365C>G (NM_001365819.1); c.3900C>G (NM_002972.2).
Identifiers: ClinVar variation 1645841 (VCV001645841.11), dbSNP rs776621303, ClinGen allele CA10316506.

ClinVar aggregate classification (germline): Conflicting classifications of pathogenicity. Review status: criteria provided, conflicting classifications (1 of 4 stars). 3 submissions from 3 submitters: Uncertain significance (1); Likely benign (2). Last evaluated 2026-04-02.

Allele frequency attached by ClinVar (database versions not stated): gnomAD 0.00001; gnomAD exomes 0.00001; TOPMed 0.00002; ExAC 0.00007.
gnomAD v4.1: 8 of 1,439,560 alleles (0.00056%); highest among the groups gnomAD compares: Non-Finnish European, 0.00073%; no homozygotes.

Submissions (3):

GeneDx
Classification: Uncertain significance. Last evaluated: 2026-04-02. Review status: criteria provided, single submitter. Criteria: GeneDx Variant Classification Process June 2021. Collection method: clinical testing. Allele origin: germline.
Comment: Not observed at significant frequency in large population cohorts (gnomAD); In silico analysis suggests that this variant does not alter splicing; Has not been previously published as pathogenic or benign to our knowledge

Women's Health and Genetics/Laboratory Corporation of America, LabCorp
Classification: Likely benign. Last evaluated: 2026-03-04. Review status: criteria provided, single submitter. Criteria: LabCorp Variant Classification Summary - May 2015. Collection method: clinical testing. Allele origin: germline.

Labcorp Genetics (formerly Invitae), Labcorp
Classification: Likely benign. Last evaluated: 2024-06-25. Review status: criteria provided, single submitter. Criteria: Invitae Variant Classification Sherloc (09022015). Collection method: clinical testing. Allele origin: germline.